The following is an entry in ClinVar:

NM_001160148.2(DDHD1):c.1749C>G (p.Leu583=)

Gene: DDHD1 (DDHD domain containing 1; minus strand). Cytogenetic location: 14q22.1.
Variant type: single nucleotide variant.
Coding change: c.1749C>G on transcript NM_001160148.2 (MANE Select); coding-DNA position 1749, C replaced by G.
Protein change: p.Leu583=; no amino-acid change (leucine 583 retained).
Molecular consequence: synonymous variant.
Genome position (GRCh38, 1-based): chr14:53,062,960, G>C on the plus strand (C>G on the coding strand, the complement: DDHD1 is on the minus strand). VCF-style: chr14-53062960-G-C. GRCh37 (hg19) VCF-style: chr14-53529678-G-C.
Other names: c.1770C>G, p.Leu590= (NM_001160147.2); c.1749C>G, p.Leu583= (NM_030637.3).
Identifiers: ClinVar variation 2644243 (VCV002644243.24), dbSNP rs2503093805, ClinGen allele CA486656222.

ClinVar aggregate classification (germline): Likely benign (1 of 4 stars; one submission).

Allele frequency attached by ClinVar (database versions not stated): gnomAD exomes 0.00001.
gnomAD v4.1: 8 of 1,584,414 alleles (0.0005%); highest among the groups gnomAD compares: Non-Finnish European, 0.00069%; no homozygotes.

Submission:

CeGaT Center for Human Genetics Tuebingen
Classification: Likely benign. Last evaluated: 2022-05-01. Review status: criteria provided, single submitter. Criteria: CeGaT Center For Human Genetics Tuebingen Variant Classification Criteria Version 2. Collection method: clinical testing. Allele origin: germline. Affected: yes. Observed: 1 variant allele.
Comment: DDHD1: PM2:Supporting, BP4, BP7